The following is an entry in ClinVar:

ClinVar aggregate classification (germline): Uncertain significance. Review status: criteria provided, multiple submitters, no conflicts (2 of 4 stars). 2 submissions from 2 submitters: Uncertain significance (2). Last evaluated 2024-06-04.

Conditions:
Cardiovascular phenotype. Identifiers: MedGen CN230736.
Brugada syndrome. Also called: Sudden unexplained nocturnal death syndrome; Sudden unexpected nocturnal death syndrome; Sudden Unexplained Death Syndrome; Sudden Unexplained Nocturnal Death Syndrome (SUNDS). Identifiers: Orphanet 130, MedGen C1142166, MONDO:0015263.

Allele frequency attached by ClinVar (database versions not stated): ExAC 0.00002.
gnomAD v4.1: 4 of 1,612,474 alleles (0.00025%); highest among the groups gnomAD compares: East Asian, 0.0089%; no homozygotes.

Submissions (2):

Labcorp Genetics (formerly Invitae), Labcorp
Classification: Uncertain significance for Brugada syndrome. Last evaluated: 2024-06-04. Review status: criteria provided, single submitter. Criteria: Invitae Variant Classification Sherloc (09022015). Collection method: clinical testing. Allele origin: germline.
Comment: This sequence change replaces valine, which is neutral and non-polar, with alanine, which is neutral and non-polar, at codon 58 of the CACNA2D1 protein (p.Val58Ala). This variant is present in population databases (rs775067204, gnomAD 0.04%). This variant has not been reported in the literature in individuals affected with CACNA2D1-related conditions. ClinVar contains an entry for this variant (Variation ID: 1779179). Algorithms developed to predict the effect of missense changes on protein structure and function output the following: SIFT: "Not Available"; PolyPhen-2: "Benign"; Align-GVGD: "Not Available". The alanine amino acid residue is found in multiple mammalian species, which suggests that this missense change does not adversely affect protein function. In summary, the available evidence is currently insufficient to determine the role of this variant in disease. Therefore, it has been classified as a Variant of Uncertain Significance.

Ambry Genetics
Classification: Uncertain significance for Cardiovascular phenotype. Last evaluated: 2020-03-09. Review status: criteria provided, single submitter. Criteria: Ambry Variant Classification Scheme 2023. Collection method: clinical testing. Allele origin: germline.
Comment: The p.V58A variant (also known as c.173T>C), located in coding exon 2 of the CACNA2D1 gene, results from a T to C substitution at nucleotide position 173. The valine at codon 58 is replaced by alanine, an amino acid with similar properties. This amino acid position is not well conserved in available vertebrate species, and alanine is the reference amino acid in other vertebrate species. In addition, this alteration is predicted to be tolerated by in silico analysis. Since supporting evidence is limited at this time, the clinical significance of this alteration remains unclear.

NM_000722.4(CACNA2D1):c.173T>C (p.Val58Ala)

Gene: CACNA2D1 (calcium voltage-gated channel auxiliary subunit alpha2delta 1; minus strand). Cytogenetic location: 7q21.11.
Variant type: single nucleotide variant.
Coding change: c.173T>C on transcript NM_000722.4 (MANE Select); coding-DNA position 173, T replaced by C.
Protein change: p.Val58Ala; replaces valine 58 with alanine.
Molecular consequence: missense variant.
Genome position (GRCh38, 1-based): chr7:82,349,572, A>G on the plus strand (T>C on the coding strand, the complement: CACNA2D1 is on the minus strand). VCF-style: chr7-82349572-A-G. GRCh37 (hg19) VCF-style: chr7-81978888-A-G.
Other names: c.173T>C, p.Val58Ala (NM_001302890.2, NM_001366867.1); short protein forms V58A.
Identifiers: ClinVar variation 1779179 (VCV001779179.4), dbSNP rs775067204, ClinGen allele CA4318466.
Genomic context (GRCh38, chr7:82,349,572, plus strand): 5'-AACTGCATTCGAATTAATGAAAAGATTAAGAAATCTCTTTGGTGGATTTTACTCACATCA[A>G]CAAGCTGATTGACTCCACTTGCTGTTTTTGCCAGTGTGACAAGGTCTTCTTGCATCTTAT-3'
Protein context (NP_000713.2, residues 48-68): AKTASGVNQL[Val58Ala]DIYEKYQDLY